The following is an entry in ClinVar:

ClinVar aggregate classification (germline): Uncertain significance (1 of 4 stars; one submission).

Conditions:
Hypertrophic cardiomyopathy. Also called: HYPERTROPHIC MYOCARDIOPATHY. Identifiers: Orphanet 217569, MedGen C0007194, MeSH D002312, MONDO:0005045, HP:0001639.

Submission:

Labcorp Genetics (formerly Invitae), Labcorp
Classification: Uncertain significance for Hypertrophic cardiomyopathy. Last evaluated: 2022-04-06. Review status: criteria provided, single submitter. Criteria: Invitae Variant Classification Sherloc (09022015). Collection method: clinical testing. Allele origin: germline.
Comment: ClinVar contains an entry for this variant (Variation ID: 640766). Algorithms developed to predict the effect of missense changes on protein structure and function (SIFT, PolyPhen-2, Align-GVGD) all suggest that this variant is likely to be disruptive. This variant is found within a region of MYH7 between codons 181 and 937 that contains the majority of the myosin head domain. Missense variants in this region have been shown to be significantly overrepresented in individuals with hypertrophic cardiomyopathy (PMID: 27532257). In summary, the available evidence is currently insufficient to determine the role of this variant in disease. Therefore, it has been classified as a Variant of Uncertain Significance. This variant has not been reported in the literature in individuals affected with MYH7-related conditions. This sequence change replaces glutamine, which is neutral and polar, with arginine, which is basic and polar, at codon 475 of the MYH7 protein (p.Gln475Arg). This variant is not present in population databases (gnomAD no frequency).

Literature cited by the submitters: PubMed 27532257.

NM_000257.4(MYH7):c.1424A>G (p.Gln475Arg)

Gene: MYH7 (myosin heavy chain 7; minus strand). Cytogenetic location: 14q11.2.
Variant type: single nucleotide variant.
Coding change: c.1424A>G on transcript NM_000257.4 (MANE Select); coding-DNA position 1424, A replaced by G.
Protein change: p.Gln475Arg; replaces glutamine 475 with arginine.
Molecular consequence: missense variant.
Genome position (GRCh38, 1-based): chr14:23,428,654, T>C on the plus strand (A>G on the coding strand, the complement: MYH7 is on the minus strand). VCF-style: chr14-23428654-T-C. GRCh37 (hg19) VCF-style: chr14-23897863-T-C.
Other names: short protein forms Q475R.
Identifiers: ClinVar variation 640766 (VCV000640766.8), dbSNP rs1595086356, ClinGen allele CA389050634.